The following is an entry in ClinVar:

ClinVar aggregate classification (germline): Uncertain significance (0 of 4 stars; one submission).

Conditions:
TBX3-related disorder. Also called: TBX3-related condition.

Submission:

PreventionGenetics, part of Exact Sciences
Classification: Uncertain significance for TBX3-related condition. Last evaluated: 2024-07-02. Review status: no assertion criteria provided. Collection method: clinical testing. Allele origin: germline.
Comment: The TBX3 c.3G>A variant is predicted to disrupt the translation initiation site (Start Loss). To our knowledge, this variant has not been reported in the literature. This variant is reported in 0.0065% of alleles in individuals of European (Non-Finnish) descent in gnomAD. At this time, the clinical significance of this variant is uncertain due to the absence of conclusive functional and genetic evidence.

NM_005996.4(TBX3):c.3G>A (p.Met1Ile)

Genes: TBX3 (T-box transcription factor 3; minus strand), TBX3-AS1 (TBX3 antisense RNA 1; plus strand). Cytogenetic location: 12q24.21.
Variant type: single nucleotide variant.
Coding change: c.3G>A on transcript NM_005996.4 (MANE Select); coding-DNA position 3, G replaced by A.
Protein change: p.Met1Ile; changes the start codon (methionine 1).
Molecular consequence: missense variant, initiator codon variant.
Genome position (GRCh38, 1-based): chr12:114,683,198, C>T on the plus strand (G>A on the coding strand, the complement: TBX3 is on the minus strand). VCF-style: chr12-114683198-C-T. GRCh37 (hg19) VCF-style: chr12-115121003-C-T.
Other names: c.3G>A, p.Met1Ile (NM_016569.4); short protein forms M1I.
Identifiers: ClinVar variation 3354239 (VCV003354239.1).